The following is an entry in ClinVar:

NM_001267550.2(TTN):c.39535C>T (p.Pro13179Ser)

Gene: TTN (titin; minus strand). Cytogenetic location: 2q31.2.
Variant type: single nucleotide variant.
Coding change: c.39535C>T on transcript NM_001267550.2 (MANE Select); coding-DNA position 39535, C replaced by T.
Protein change: p.Pro13179Ser; replaces proline 13179 with serine.
Molecular consequence: missense variant. On other transcripts: intron variant (3).
Genome position (GRCh38, 1-based): chr2:178,651,465, G>A on the plus strand (C>T on the coding strand, the complement: TTN is on the minus strand). VCF-style: chr2-178651465-G-A. GRCh37 (hg19) VCF-style: chr2-179516192-G-A.
Other names: c.35014C>T, p.Pro11672Ser (NM_001256850.1); c.32233C>T, p.Pro10745Ser (NM_133378.4); c.13283-9148C>T (NM_003319.4); c.13859-9148C>T (NM_133437.4); c.13658-9148C>T (NM_133432.3); short protein forms P10745S, P11672S, P13179S.
Identifiers: ClinVar variation 1696011 (VCV001696011.3), dbSNP rs752224211, ClinGen allele CA1996683.

ClinVar aggregate classification (germline): Conflicting classifications of pathogenicity. Review status: criteria provided, conflicting classifications (1 of 4 stars). 3 submissions from 3 submitters: Uncertain significance (2); Likely benign (1). Last evaluated 2026-03-27.

Conditions:
TTN-related disorder. Also called: TTN-related disorders; TTN-related condition; TTN-related disease.

Allele frequency attached by ClinVar (database versions not stated): gnomAD exomes 0.00002 and 0.00005; ExAC 0.00003; TOPMed 0.00003; gnomAD 0.00004.
gnomAD v4.1: 20 of 1,610,908 alleles (0.0012%); highest among the groups gnomAD compares: Admixed American, 0.034%; no homozygotes.

Submissions (3):

Molecular Diagnostic Laboratory for Inherited Cardiovascular Disease, Montreal Heart Institute
Classification: Likely benign. Last evaluated: 2026-03-27. Review status: criteria provided, single submitter. Criteria: ACMG Guidelines, 2015. Collection method: clinical testing. Allele origin: germline. Affected: no.
Comment: BP1

PreventionGenetics, part of Exact Sciences
Classification: Uncertain significance for TTN-related condition. Last evaluated: 2026-01-26. Review status: criteria provided, single submitter. Criteria: ACMG Guidelines, 2015. Collection method: clinical testing. Allele origin: germline.
Comment: The TTN c.39535C>T variant is predicted to result in the amino acid substitution p.Pro13179Ser. To our knowledge, this variant has not been reported in the literature. This variant is reported in 0.037% of alleles in individuals of Latino descent in gnomAD. At this time, the clinical significance of this variant is uncertain due to the absence of conclusive functional and genetic evidence.

Women's Health and Genetics/Laboratory Corporation of America, LabCorp
Classification: Uncertain significance. Last evaluated: 2022-05-23. Review status: criteria provided, single submitter. Criteria: LabCorp Variant Classification Summary - May 2015. Collection method: clinical testing. Allele origin: germline.